The following is an entry in ClinVar:

ClinVar aggregate classification (germline): Uncertain significance. Review status: criteria provided, multiple submitters, no conflicts (2 of 4 stars). 2 submissions from 2 submitters: Uncertain significance (2). Last evaluated 2022-11-25.

Submissions (2):

Blueprint Genetics
Classification: Uncertain significance. Last evaluated: 2022-11-25. Review status: criteria provided, single submitter. Criteria: ACMG Guidelines, 2015. Collection method: clinical testing. Allele origin: germline.

Labcorp Genetics (formerly Invitae), Labcorp
Classification: Uncertain significance. Last evaluated: 2020-02-23. Review status: criteria provided, single submitter. Criteria: Invitae Variant Classification Sherloc (09022015). Collection method: clinical testing. Allele origin: germline.
Comment: In summary, the available evidence is currently insufficient to determine the role of this variant in disease. Therefore, it has been classified as a Variant of Uncertain Significance. Nucleotide substitutions within the consensus splice site are a relatively common cause of aberrant splicing (PMID: 17576681, 9536098). Algorithms developed to predict the effect of sequence changes on RNA splicing suggest that this variant may disrupt the consensus splice site, but this prediction has not been confirmed by published transcriptional studies. This variant has not been reported in the literature in individuals with SAG-related conditions. This variant is not present in population databases (ExAC no frequency). This sequence change falls in intron 7 of the SAG gene. It does not directly change the encoded amino acid sequence of the SAG protein, but it affects a nucleotide within the consensus splice site of the intron.

Literature cited by the submitters: PubMed 17576681 (cited by Labcorp Genetics (formerly Invitae), Labcorp); PubMed 9536098 (cited by Labcorp Genetics (formerly Invitae), Labcorp).

NM_000541.5(SAG):c.512+2dup

Gene: SAG (S-antigen visual arrestin; plus strand). Cytogenetic location: 2q37.1.
Variant type: Duplication.
Coding change: c.512+2dup on transcript NM_000541.5 (MANE Select); the canonical splice donor site of the intron after coding-DNA position 512, one base duplicated (T; older notation c.512+2dupT).
Molecular consequence: splice donor variant.
Genome position (GRCh38, 1-based): chr2:233,327,199, T duplicated. VCF-style (leftmost placement, unchanged base first): chr2-233327198-G-GT. GRCh37 (hg19) VCF-style: chr2-234235844-G-GT.
Identifiers: ClinVar variation 1042339 (VCV001042339.8), dbSNP rs1700588391, ClinGen allele CA645514165.
Genomic context (GRCh38, chr2:233,327,198, plus strand): 5'-TGAGGTCAAAGCATTCGCCACAGACAGCACCGATGCCGAAGAGGACAAAATCCCCAAGAA[G>GT]TAAGAGTATGGTTGCGGAATAGGTGAGGGGTCTGCGGTGGGGGTGGAGAGAAGAGACGAC-3'